The following is an entry in ClinVar:

ClinVar aggregate classification (germline): Likely benign. Review status: criteria provided, multiple submitters, no conflicts (2 of 4 stars). 2 submissions from 2 submitters: Likely benign (2). Last evaluated 2026-01-20.

Conditions:
NPC1-related disorder. Also called: NPC1-related condition.
Niemann-Pick disease, type C1. Also called: NEUROVISCERAL STORAGE DISEASE WITH VERTICAL SUPRANUCLEAR OPHTHALMOPLEGIA; NIEMANN-PICK DISEASE WITH CHOLESTEROL ESTERIFICATION BLOCK; NIEMANN-PICK DISEASE WITHOUT SPHINGOMYELINASE DEFICIENCY; NIEMANN-PICK DISEASE, CHRONIC NEURONOPATHIC FORM; NIEMANN-PICK DISEASE, VARIANT TYPE C1. Identifiers: Orphanet 646, MedGen C3179455, MONDO:0009757, OMIM 257220.

Submissions (2):

Labcorp Genetics (formerly Invitae), Labcorp
Classification: Likely benign for Niemann-Pick disease, type C1. Last evaluated: 2026-01-20. Review status: criteria provided, single submitter. Criteria: Invitae Variant Classification Sherloc (09022015). Collection method: clinical testing. Allele origin: germline.

PreventionGenetics, part of Exact Sciences
Classification: Likely benign for NPC1-related condition. Last evaluated: 2024-12-30. Review status: criteria provided, single submitter. Criteria: ACMG Guidelines, 2015. Collection method: clinical testing. Allele origin: germline.
Comment: This variant is classified as likely benign based on ACMG/AMP sequence variant interpretation guidelines (Richards et al. 2015 PMID: 25741868, with internal and published modifications).

NM_000271.5(NPC1):c.1947+11_1947+12insGGC

Gene: NPC1 (NPC intracellular cholesterol transporter 1; minus strand). Cytogenetic location: 18q11.2.
Variant type: Insertion.
Coding change: c.1947+11_1947+12insGGC on transcript NM_000271.5 (MANE Select); bases 11 to 12 of the intron after coding-DNA position 1947, GGC inserted.
Molecular consequence: intron variant.
Genome position: GRCh38 VCF-style: chr18-23544948-C-CCCG. GRCh37 (hg19) VCF-style: chr18-21124912-C-CCCG.
Identifiers: ClinVar variation 326272 (VCV000326272.13), dbSNP rs547107514, ClinGen allele CA8913315.
Genomic context (GRCh38, chr18:23,544,948, plus strand): 5'-AGGCAAAAATATGACGTTACACTGTGCACTGCTGTTAACCTCTAGAACATACACCACCCC[C>CCCG]CCCCGGCTTACCAGAAGCCTGCGACAGCTTTTCATGTGCCCCAAGGCTAGGGAAATATAT-3'